The following is an entry in ClinVar:

ClinVar aggregate classification (germline): Pathogenic (1 of 4 stars; one submission).

Conditions:
Cohen syndrome (COH1). Also called: Cutis verticis gyrata, retinitis pigmentosa, and sensorineural deafness; PEPPER SYNDROME. Identifiers: Orphanet 193, MedGen C0265223, MONDO:0008999, OMIM 216550.

Submission:

Labcorp Genetics (formerly Invitae), Labcorp
Classification: Pathogenic for Cohen syndrome. Last evaluated: 2022-11-22. Review status: criteria provided, single submitter. Criteria: Invitae Variant Classification Sherloc (09022015). Collection method: clinical testing. Allele origin: germline.
Comment: For these reasons, this variant has been classified as Pathogenic. This variant has not been reported in the literature in individuals affected with VPS13B-related conditions. This variant is a gross deletion of the genomic region encompassing exon(s) 24-33 of the VPS13B gene. This deletion is out-of-frame, and is expected to create a premature termination codon and result in an absent or disrupted protein product. Loss-of-function variants in VPS13B are known to be pathogenic (PMID: 15141358, 16648375, 20461111).

Literature cited by the submitters: PubMed 15141358; PubMed 16648375; PubMed 20461111.

NC_000008.10:g.(?_100479622)_(100589881_?)del

Gene: VPS13B (vacuolar protein sorting 13 homolog B; plus strand). Cytogenetic location: 8q22.2.
Variant type: Deletion.
Identifiers: ClinVar variation 2426388 (VCV002426388.4).